The following is an entry in ClinVar:

NM_052844.4(DYNC2I2):c.1336G>T (p.Val446Leu)

Gene: DYNC2I2 (dynein 2 intermediate chain 2; minus strand). Cytogenetic location: 9q34.11.
Variant type: single nucleotide variant.
Coding change: c.1336G>T on transcript NM_052844.4 (MANE Select); coding-DNA position 1336, G replaced by T.
Protein change: p.Val446Leu; replaces valine 446 with leucine.
Molecular consequence: missense variant.
Genome position (GRCh38, 1-based): chr9:128,634,262, C>A on the plus strand (G>T on the coding strand, the complement: DYNC2I2 is on the minus strand). VCF-style: chr9-128634262-C-A. GRCh37 (hg19) VCF-style: chr9-131396541-C-A.
Other names: short protein forms V446L.
Identifiers: ClinVar variation 1681184 (VCV001681184.5), dbSNP rs746286697, ClinGen allele CA375109193.

ClinVar aggregate classification (germline): Uncertain significance (1 of 4 stars; one submission).

Conditions:
Short-rib thoracic dysplasia 11 with or without polydactyly (SRTD11). Also called: SHORT-RIB THORACIC DYSPLASIA 11 WITHOUT POLYDACTYLY. Identifiers: Orphanet 474, Orphanet 93271, MedGen C3810200, MONDO:0014287, OMIM 615633.

gnomAD v4.1: 2 of 1,613,876 alleles (0.00012%); highest among the groups gnomAD compares: Admixed American, 0.0017%; no homozygotes.

Submission:

Labcorp Genetics (formerly Invitae), Labcorp
Classification: Uncertain significance for Short-rib thoracic dysplasia 11 with or without polydactyly. Last evaluated: 2021-09-24. Review status: criteria provided, single submitter. Criteria: Invitae Variant Classification Sherloc (09022015). Collection method: clinical testing. Allele origin: germline.
Comment: This sequence change replaces valine with leucine at codon 446 of the WDR34 protein (p.Val446Leu). The valine residue is highly conserved and there is a small physicochemical difference between valine and leucine. This variant is not present in population databases (ExAC no frequency). This variant has not been reported in the literature in individuals with WDR34-related conditions. Algorithms developed to predict the effect of missense changes on protein structure and function (SIFT, PolyPhen-2, Align-GVGD) all suggest that this variant is likely to be tolerated, but these predictions have not been confirmed by published functional studies and their clinical significance is uncertain. In summary, the available evidence is currently insufficient to determine the role of this variant in disease. Therefore, it has been classified as a Variant of Uncertain Significance.